The following is an entry in ClinVar:

ClinVar aggregate classification (germline): Pathogenic (0 of 4 stars; one submission).

Conditions:
Polycystic kidney disease, adult type (PKD1). Also called: Polycystic Kidney, Autosomal Dominant; POLYCYSTIC KIDNEY DISEASE 1 WITH OR WITHOUT POLYCYSTIC LIVER DISEASE; Polycystic Kidney Disease 1, Autosomal Dominant; Polycystic kidney disease 1; Polycystic kidney disease 1, severe; POLYCYSTIC KIDNEY DISEASE, ADULT, TYPE I. Identifiers: MedGen C3149841, MONDO:0008263, OMIM 173900.

Submission:

HUSP Clinical Genetics Laboratory, Hospital Universitario San Pedro De Logroño (HUSP)
Classification: Pathogenic for Polycystic kidney disease, adult type. Last evaluated: 2017-03-08. Review status: no assertion criteria provided. Collection method: clinical testing. Allele origin: germline. Inheritance: Autosomal dominant inheritance. Affected: yes. Observed: 1 variant allele, 1 heterozygote.
Comment: The c.499delC variant in the PKD1 gene (NM_001009944.3) causes a premature stop codon. This alteration has not been reported previously in literature and it is not detected in general population. Pathological variants in the PKD1 gene are related to Polycystic kidney disease 1 (OMIM:173900), with an autosomal dominant mode of inheritance. Therefore, we consider that the clinical significance of c.499delC variant is pathogenic.

NM_001009944.3(PKD1):c.499del (p.Gly168fs)

Gene: PKD1 (polycystin 1, transient receptor potential channel interacting; minus strand). Cytogenetic location: 16p13.3.
Variant type: Deletion.
Coding change: c.499del on transcript NM_001009944.3 (MANE Select); coding-DNA position 499, one base deleted (C; older notation c.499delC).
Protein change: p.Gly168fs; shifts the reading frame from glycine 168.
Molecular consequence: frameshift variant.
Genome position (GRCh38, 1-based): chr16:2,118,706, G deleted on the plus strand (C on the coding strand, the reverse complement: PKD1 is on the minus strand). VCF-style (leftmost placement, unchanged base first): chr16-2118705-AG-A. GRCh37 (hg19) VCF-style: chr16-2168706-AG-A.
Other names: c.499del, p.Gly168fs (NM_000296.4); c.499delC (NM_001009944.3); short protein forms G168fs.
Identifiers: ClinVar variation 1048760 (VCV001048760.2), dbSNP rs2151825150, ClinGen allele CA2499223392.